The following is an entry in ClinVar:

NM_007294.4(BRCA1):c.4676-284_4676-283insATTACAAGCATTGTTACAGTGAAC

Gene: BRCA1 (BRCA1 DNA repair associated; minus strand). Cytogenetic location: 17q21.31.
Variant type: Insertion.
Coding change: c.4676-284_4676-283insATTACAAGCATTGTTACAGTGAAC on transcript NM_007294.4 (MANE Select); 284 bases into the intron before coding-DNA position 4676 through 283 bases into the intron before coding-DNA position 4676, ATTACAAGCATTGTTACAGTGAAC inserted.
Molecular consequence: intron variant.
Genome position: GRCh38 VCF-style: chr17-43071521-G-GAATGTTCACTGTAACAATGCTTGT. GRCh37 (hg19) VCF-style: chr17-41223538-G-GAATGTTCACTGTAACAATGCTTGT.
Other names: c.1223-284_1223-283insATTACAAGCATTGTTACAGTGAAC (NM_001408458.1, NM_001408461.1, NM_001408464.1 and 7 more transcripts); c.3785-284_3785-283insATTACAAGCATTGTTACAGTGAAC (NM_001407967.1); c.4295-284_4295-283insATTACAAGCATTGTTACAGTGAAC (NM_001407959.1); c.4409-284_4409-283insATTACAAGCATTGTTACAGTGAAC (NM_001407931.1, NM_001407932.1, NM_001407928.1 and 4 more transcripts); c.4532-284_4532-283insATTACAAGCATTGTTACAGTGAAC (NM_001407747.1, NM_001407745.1, NM_001407737.1 and 21 more transcripts); c.4292-284_4292-283insATTACAAGCATTGTTACAGTGAAC (NM_001407962.1, NM_001407960.1); c.863-284_863-283insATTACAAGCATTGTTACAGTGAAC (NM_001408512.1); c.986-284_986-283insATTACAAGCATTGTTACAGTGAAC (NM_001408510.1); and 71 more.
Identifiers: ClinVar variation 264795 (VCV000264795.3), dbSNP rs8176218, ClinGen allele CA10588206.

ClinVar aggregate classification (germline): Benign. Review status: reviewed by expert panel (3 of 4 stars). 2 submissions from 2 submitters: Benign (1). 1 of the submissions does not count toward it. Last evaluated 2016-09-28.

Conditions:
Breast-ovarian cancer, familial, susceptibility to, 1 (BROVCA1). Also called: BRCA1 Hereditary Breast and Ovarian Cancer; OVARIAN CANCER, SUSCEPTIBILITY TO. Identifiers: Orphanet 145, MedGen C2676676, MONDO:0011450, OMIM 604370. Disease mechanism: loss of function.

Submissions (2):

Evidence-based Network for the Interpretation of Germline Mutant Alleles (ENIGMA)
Classification: Benign for Breast-ovarian cancer, familial, susceptibility to, 1. Last evaluated: 2016-09-28. Review status: reviewed by expert panel. Criteria: ENIGMA BRCA1/2 Classification Criteria (2015). Collection method: curation. Allele origin: germline.
Comment: Class 1 not pathogenic based on frequency >1% in an outbred sampleset. Frequency 0.3598 (European), 0.2209 (African), 0.3746 (Admixed American/Latino), 0.372 (East Asian), 0.498 (South Asian), derived from 1000 genomes (2013-05-02).

GeneDx
Classification: Benign. Last evaluated: 2018-07-09. Review status: criteria provided, single submitter. Criteria: GeneDx Variant Classification Process June 2021. Collection method: clinical testing. Allele origin: germline. Affected: yes. Not counted in ClinVar's aggregate classification.